The following is an entry in ClinVar:

ClinVar aggregate classification (germline): Uncertain significance. Review status: criteria provided, multiple submitters, no conflicts (2 of 4 stars). 2 submissions from 2 submitters: Uncertain significance (2). Last evaluated 2025-02-25.

Conditions:
Baller-Gerold syndrome (BGS). Also called: CRANIOSYNOSTOSIS WITH RADIAL DEFECTS. Identifiers: Orphanet 1225, MedGen C0265308, MONDO:0009039, OMIM 218600.
Inborn genetic diseases. Identifiers: MedGen C0950123, MeSH D030342.

Submissions (2):

Ambry Genetics
Classification: Uncertain significance for Inborn genetic diseases. Last evaluated: 2025-02-25. Review status: criteria provided, single submitter. Criteria: Ambry Variant Classification Scheme 2023. Collection method: clinical testing. Allele origin: germline.
Comment: The p.G115S variant (also known as c.343G>A), located in coding exon 4 of the RECQL4 gene, results from a G to A substitution at nucleotide position 343. The glycine at codon 115 is replaced by serine, an amino acid with similar properties. This amino acid position is conserved. In addition, this alteration is predicted to be tolerated by in silico analysis. Based on the available evidence, the clinical significance of this variant remains unclear.

Labcorp Genetics (formerly Invitae), Labcorp
Classification: Uncertain significance for Baller-Gerold syndrome. Last evaluated: 2023-09-10. Review status: criteria provided, single submitter. Criteria: Invitae Variant Classification Sherloc (09022015). Collection method: clinical testing. Allele origin: germline.
Comment: In summary, the available evidence is currently insufficient to determine the role of this variant in disease. Therefore, it has been classified as a Variant of Uncertain Significance. Advanced modeling of protein sequence and biophysical properties (such as structural, functional, and spatial information, amino acid conservation, physicochemical variation, residue mobility, and thermodynamic stability) performed at Invitae indicates that this missense variant is not expected to disrupt RECQL4 protein function. ClinVar contains an entry for this variant (Variation ID: 1368666). This variant has not been reported in the literature in individuals affected with RECQL4-related conditions. This variant is not present in population databases (gnomAD no frequency). This sequence change replaces glycine, which is neutral and non-polar, with serine, which is neutral and polar, at codon 115 of the RECQL4 protein (p.Gly115Ser).

NM_004260.4(RECQL4):c.343G>A (p.Gly115Ser)

Gene: RECQL4 (RecQ like helicase 4; minus strand). Cytogenetic location: 8q24.3.
Variant type: single nucleotide variant.
Coding change: c.343G>A on transcript NM_004260.4 (MANE Select); coding-DNA position 343, G replaced by A.
Protein change: p.Gly115Ser; replaces glycine 115 with serine.
Molecular consequence: missense variant.
Genome position (GRCh38, 1-based): chr8:144,517,061, C>T on the plus strand (G>A on the coding strand, the complement: RECQL4 is on the minus strand). VCF-style: chr8-144517061-C-T. GRCh37 (hg19) VCF-style: chr8-145742445-C-T.
Other names: c.343G>A (NM_004260.3); short protein forms G115S.
Identifiers: ClinVar variation 1368666 (VCV001368666.7), dbSNP rs1289970181, ClinGen allele CA372691912.
Genomic context (GRCh38, chr8:144,517,061, plus strand): 5'-GGAAGCAGCTGTGGACCTAGCGTGGACTCACTGCCTGCCCACTCCTCACCTGCAGGGTGC[C>T]TTTCAGATTGGCCTTGAGCCGCTGCCCGTAGTCCGGCACCGAGCCCTGGCGGCTCCGCCC-3'
Protein context (NP_004251.4, residues 105-125): YGQRLKANLK[Gly115Ser]TLQAGPALGR